The following is an entry in ClinVar:

ClinVar aggregate classification (germline): Likely pathogenic (1 of 4 stars; one submission).

Conditions:
Multiple sulfatase deficiency (MSD). Also called: Mucosulfatidosis; Multiple Sulfatase Deficiency Disease; Sulfatidosis, Juvenile, Austin Type. Identifiers: Orphanet 585, MedGen C0268263, MONDO:0010088, OMIM 272200.

Submission:

Natera, Inc.
Classification: Likely pathogenic for Multiple sulfatase deficiency. Last evaluated: 2025-12-09. Review status: criteria provided, single submitter. Criteria: Natera Variant Classification Schema (03/2026). Collection method: clinical testing. Allele origin: germline.
Comment: The c.271-2A>T variant in SUMF1 is a canonical splice acceptor site variant predicted to affect pre-mRNA splicing, which may result in an abnormal transcript and altered protein product. This variant is expected to result in nonsense mediated decay, truncation, or a dysfunctional protein product. This variant is rare in the general population with a frequency below the threshold expected for the associated phenotype(s). Given the available evidence, this variant is classified as Likely Pathogenic.

NM_182760.4(SUMF1):c.271-2A>T

Gene: SUMF1 (sulfatase modifying factor 1; minus strand). Cytogenetic location: 3p26.1.
Variant type: single nucleotide variant.
Coding change: c.271-2A>T on transcript NM_182760.4 (MANE Select); the canonical splice acceptor site of the intron before coding-DNA position 271, A replaced by T.
Molecular consequence: splice acceptor variant.
Genome position (GRCh38, 1-based): chr3:4,453,051, T>A on the plus strand (A>T on the coding strand, the complement: SUMF1 is on the minus strand). VCF-style: chr3-4453051-T-A. GRCh37 (hg19) VCF-style: chr3-4494735-T-A.
Other names: c.271-2A>T (NM_001164674.2, NM_001164675.2).
Identifiers: ClinVar variation 4816994 (VCV004816994.1).